The following is an entry in ClinVar:

NM_002691.4(POLD1):c.2735C>A (p.Pro912His)

Gene: POLD1 (DNA polymerase delta 1, catalytic subunit; plus strand). Cytogenetic location: 19q13.33.
Variant type: single nucleotide variant.
Coding change: c.2735C>A on transcript NM_002691.4 (MANE Select); coding-DNA position 2735, C replaced by A.
Protein change: p.Pro912His; replaces proline 912 with histidine.
Molecular consequence: missense variant.
Genome position (GRCh38, 1-based): chr19:50,415,741, C>A. VCF-style: chr19-50415741-C-A. GRCh37 (hg19) VCF-style: chr19-50918998-C-A.
Other names: c.2735C>A, p.Pro912His (NM_001256849.1); c.2813C>A, p.Pro938His (NM_001308632.1); c.2735C>A (NM_002691.2); short protein forms P938H, P912H.
Identifiers: ClinVar variation 2199737 (VCV002199737.5), dbSNP rs999020776, ClinGen allele CA406985856.

ClinVar aggregate classification (germline): Uncertain significance. Review status: criteria provided, multiple submitters, no conflicts (2 of 4 stars). 2 submissions from 2 submitters: Uncertain significance (2). Last evaluated 2025-03-01.

Conditions:
POLD1-related polyposis and colorectal cancer syndrome (CRCS10). Also called: Colorectal cancer, susceptibility to, 10; Colorectal cancer 10; COLORECTAL CANCER, SUSCEPTIBILITY TO, ON CHROMOSOME 19q. Identifiers: Orphanet 220460, MedGen C2675481, MONDO:0012953, OMIM 612591.
Hereditary cancer-predisposing syndrome. Also called: Neoplastic Syndromes, Hereditary; Tumor predisposition; Hereditary Cancer Syndrome; Hereditary neoplastic syndrome. Identifiers: Orphanet 140162, MedGen C0027672, MeSH D009386, MONDO:0015356.

Allele frequency attached by ClinVar (database versions not stated): gnomAD exomes below 0.00001.
gnomAD v4.1: 1 of 1,560,306 alleles (0.000064%); highest among the groups gnomAD compares: Non-Finnish European, 0.000087%; no homozygotes.

Submissions (2):

Ambry Genetics
Classification: Uncertain significance for Hereditary cancer-predisposing syndrome. Last evaluated: 2025-03-01. Review status: criteria provided, single submitter. Criteria: Ambry Variant Classification Scheme 2023. Collection method: clinical testing. Allele origin: germline.
Comment: The p.P912H variant (also known as c.2735C>A), located in coding exon 21 of the POLD1 gene, results from a C to A substitution at nucleotide position 2735. The proline at codon 912 is replaced by histidine, an amino acid with similar properties. This amino acid position is conserved. In addition, this alteration is predicted to be tolerated by in silico analysis. Based on the available evidence, the clinical significance of this variant remains unclear.

Labcorp Genetics (formerly Invitae), Labcorp
Classification: Uncertain significance for POLD1-related polyposis and colorectal cancer syndrome. Last evaluated: 2022-11-03. Review status: criteria provided, single submitter. Criteria: Invitae Variant Classification Sherloc (09022015). Collection method: clinical testing. Allele origin: germline.
Comment: In summary, the available evidence is currently insufficient to determine the role of this variant in disease. Therefore, it has been classified as a Variant of Uncertain Significance. Advanced modeling of protein sequence and biophysical properties (such as structural, functional, and spatial information, amino acid conservation, physicochemical variation, residue mobility, and thermodynamic stability) performed at Invitae indicates that this missense variant is expected to disrupt POLD1 protein function. This variant has not been reported in the literature in individuals affected with POLD1-related conditions. This variant is not present in population databases (gnomAD no frequency). This sequence change replaces proline, which is neutral and non-polar, with histidine, which is basic and polar, at codon 912 of the POLD1 protein (p.Pro912His).